The following is an entry in ClinVar:

ClinVar aggregate classification (germline): Uncertain significance. Review status: criteria provided, single submitter (1 of 4 stars). 2 submissions from 2 submitters: Uncertain significance (1). 1 of the submissions does not count toward it. Last evaluated 2024-05-10.

Conditions:
Type 2 diabetes mellitus. Also called: Type II diabetes mellitus. Identifiers: MedGen C0011860, MeSH D003924, MONDO:0005148, OMIM 125853, HP:0005978.
Renal cysts and diabetes syndrome (RCAD). Also called: Familial hypoplastic, glomerulocystic kidney; MATURITY-ONSET DIABETES OF THE YOUNG, TYPE 5. Identifiers: Orphanet 93111, MedGen C0431693, MONDO:0007669, OMIM 137920.
Nonpapillary renal cell carcinoma. Identifiers: Orphanet 422526, MedGen CN074294, MONDO:0007763, OMIM 144700.
HNF1B-related disorder. Also called: HNF1B-related condition; HNF1B-related disorders.

Allele frequency attached by ClinVar (database versions not stated): gnomAD exomes below 0.00001.
gnomAD v4.1: 1 of 1,613,274 alleles (0.000062%); highest among the groups gnomAD compares: Admixed American, 0.0017%; no homozygotes.

Submissions (2):

Fulgent Genetics
Classification: Uncertain significance for Type 2 diabetes mellitus; Renal cysts and diabetes syndrome; Nonpapillary renal cell carcinoma. Last evaluated: 2024-05-10. Review status: criteria provided, single submitter. Criteria: ACMG Guidelines, 2015. Collection method: clinical testing. Allele origin: germline.

PreventionGenetics, part of Exact Sciences
Classification: Uncertain significance for HNF1B-related condition. Last evaluated: 2023-12-21. Review status: no assertion criteria provided. Collection method: clinical testing. Allele origin: germline. Not counted in ClinVar's aggregate classification.
Comment: The HNF1B c.1543C>T variant is predicted to result in the amino acid substitution p.His515Tyr. To our knowledge, this variant has not been reported in the literature in individuals with HNF1B- related disorders. This variant is reported in 0.0029% of alleles in individuals of Latino descent in gnomAD. At this time, the clinical significance of this variant is uncertain due to the absence of conclusive functional and genetic evidence.

NM_000458.4(HNF1B):c.1543C>T (p.His515Tyr)

Gene: HNF1B (HNF1 homeobox B; minus strand). Cytogenetic location: 17q12.
Variant type: single nucleotide variant.
Coding change: c.1543C>T on transcript NM_000458.4 (MANE Select); coding-DNA position 1543, C replaced by T.
Protein change: p.His515Tyr; replaces histidine 515 with tyrosine.
Molecular consequence: missense variant. On other transcripts: intron variant (2).
Genome position (GRCh38, 1-based): chr17:37,699,186, G>A on the plus strand (C>T on the coding strand, the complement: HNF1B is on the minus strand). VCF-style: chr17-37699186-G-A. GRCh37 (hg19) VCF-style: chr17-36059192-G-A.
Other names: c.1465C>T, p.His489Tyr (NM_001165923.4); c.1261+5731C>T (NM_001304286.2); c.1534+1797C>T (NM_001411100.1); short protein forms H489Y, H515Y.
Identifiers: ClinVar variation 3058912 (VCV003058912.3), dbSNP rs1188569241, ClinGen allele CA398754044.